The following is an entry in ClinVar:

NM_001127.4(AP1B1):c.810G>T (p.Leu270Phe)

Gene: AP1B1 (adaptor related protein complex 1 subunit beta 1; minus strand). Cytogenetic location: 22q12.2.
Variant type: single nucleotide variant.
Coding change: c.810G>T on transcript NM_001127.4 (MANE Select); coding-DNA position 810, G replaced by T.
Protein change: p.Leu270Phe; replaces leucine 270 with phenylalanine.
Molecular consequence: missense variant.
Genome position (GRCh38, 1-based): chr22:29,354,778, C>A on the plus strand (G>T on the coding strand, the complement: AP1B1 is on the minus strand). VCF-style: chr22-29354778-C-A. GRCh37 (hg19) VCF-style: chr22-29750767-C-A.
Other names: c.810G>T, p.Leu270Phe (NM_001166019.2, NM_001378562.1, NM_001378563.1 and 2 more transcripts); c.639G>T, p.Leu213Phe (NM_001378564.1, NM_001378565.1); short protein forms L213F, L270F.
Identifiers: ClinVar variation 3876485 (VCV003876485.2).

ClinVar aggregate classification (germline): Uncertain significance. Review status: criteria provided, multiple submitters, no conflicts (2 of 4 stars). 2 submissions from 2 submitters: Uncertain significance (2). Last evaluated 2026-06-03.

Conditions:
AP1B1-related disorder. Also called: AP1B1-related condition.
Inborn genetic diseases. Identifiers: MedGen C0950123, MeSH D030342.

gnomAD v4.1: 49 of 1,613,998 alleles (0.003%); highest among the groups gnomAD compares: Non-Finnish European, 0.0042%; no homozygotes.

Submissions (2):

PreventionGenetics, part of Exact Sciences
Classification: Uncertain significance for AP1B1-related condition. Last evaluated: 2026-06-03. Review status: criteria provided, single submitter. Criteria: ACMG Guidelines, 2015. Collection method: clinical testing. Allele origin: germline.
Comment: The AP1B1 c.810G>T variant is predicted to result in the amino acid substitution p.Leu270Phe. To our knowledge, this variant has not been reported in the literature. This variant is reported in 0.0026% of alleles in individuals of European (Non-Finnish) descent in gnomAD. At this time, the clinical significance of this variant is uncertain due to the absence of conclusive functional and genetic evidence.

Ambry Genetics
Classification: Uncertain significance for Inborn genetic diseases. Last evaluated: 2025-02-18. Review status: criteria provided, single submitter. Criteria: Ambry Variant Classification Scheme 2023. Collection method: clinical testing. Allele origin: germline.